The following is an entry in ClinVar:

NM_000466.3(PEX1):c.472+1G>A

Gene: PEX1 (peroxisomal biogenesis factor 1; minus strand). Cytogenetic location: 7q21.2.
Variant type: single nucleotide variant.
Coding change: c.472+1G>A on transcript NM_000466.3 (MANE Select); the canonical splice donor site of the intron after coding-DNA position 472, G replaced by A.
Molecular consequence: splice donor variant.
Genome position (GRCh38, 1-based): chr7:92,518,140, C>T on the plus strand (G>A on the coding strand, the complement: PEX1 is on the minus strand). VCF-style: chr7-92518140-C-T. GRCh37 (hg19) VCF-style: chr7-92147454-C-T.
Other names: c.472+1G>A (NM_001282677.2); c.-153+1G>A (NM_001282678.2).
Identifiers: ClinVar variation 552880 (VCV000552880.3), dbSNP rs762852144, ClinGen allele CA161974047.

ClinVar aggregate classification (germline): Likely pathogenic. Review status: criteria provided, multiple submitters, no conflicts (2 of 4 stars). 3 submissions from 3 submitters: Likely pathogenic (2). 1 of the submissions does not count toward it. Last evaluated 2024-03-18.

Conditions:
Peroxisome biogenesis disorder 1B (PBD1B). Also called: PEROXISOME BIOGENESIS DISORDER (NEONATAL ADRENOLEUKODYSTROPHY/INFANTILE REFSUM DISEASE); INFANTILE PHYTANIC ACID STORAGE DISEASE; PEROXISOME BIOGENESIS DISORDER (NALD/IRD); ADRENOLEUKODYSTROPHY, AUTOSOMAL NEONATAL; Refsum disease, infantile form; Infantile Refsum disease. Identifiers: Orphanet 44, MedGen C0282527, MONDO:0011101, OMIM 601539.
Peroxisome biogenesis disorder 1A (Zellweger) (PBD1A). Also called: Peroxisome biogenesis disorder 1a; Zellweger leukodystrophy. Identifiers: MedGen C4721541, MONDO:0008953, OMIM 214100.
Heimler syndrome 1 (HMLR1). Also called: PEROXISOME BIOGENESIS DISORDER 1C. Identifiers: Orphanet 3220, MedGen C4551980, OMIM 234580, MONDO:0024544.

Allele frequency attached by ClinVar (database versions not stated): gnomAD exomes below 0.00001.

Submissions (3):

Fulgent Genetics
Classification: Likely pathogenic for Peroxisome biogenesis disorder 1A (Zellweger); Heimler syndrome 1; Peroxisome biogenesis disorder 1B. Last evaluated: 2024-03-18. Review status: criteria provided, single submitter. Criteria: ACMG Guidelines, 2015. Collection method: clinical testing. Allele origin: germline.

Neuberg Centre For Genomic Medicine, NCGM
Classification: Likely pathogenic for Peroxisome biogenesis disorder 1B. Review status: criteria provided, single submitter. Criteria: ACMG Guidelines, 2015. Collection method: clinical testing. Allele origin: germline. Inheritance: Autosomal recessive inheritance. Affected: yes.
Comment: The c.472+1G>A splice site variant has been submitted to ClinVar as a Likely Pathogenic variant, but no details are available for independent assessment. It has not been reported in affected individuals. The c.472+1G>A variant is novel (not in any individuals) in gnomAD Exomes and 1000 Genomes. This variant is predicted to cause loss of normal protein function through protein truncation. Loss of function variants have been previously reported to be disease causing. For these reasons, this variant has been classified as Likely Pathogenic. In the absence of another heterozygous variant / CNV, molecular diagnosis is not confirmed.

Counsyl
Classification: Likely pathogenic for Peroxisome biogenesis disorder 1A (Zellweger). Last evaluated: 2017-07-14. Review status: no assertion criteria provided. Collection method: clinical testing. Allele origin: unknown. Not counted in ClinVar's aggregate classification.